The following is an entry in ClinVar:

NM_001130438.3(SPTAN1):c.4555A>G (p.Lys1519Glu)

Gene: SPTAN1 (spectrin alpha, non-erythrocytic 1; plus strand). Cytogenetic location: 9q34.11.
Variant type: single nucleotide variant.
Coding change: c.4555A>G on transcript NM_001130438.3 (MANE Select); coding-DNA position 4555, A replaced by G.
Protein change: p.Lys1519Glu; replaces lysine 1519 with glutamic acid.
Molecular consequence: missense variant.
Genome position (GRCh38, 1-based): chr9:128,608,937, A>G. VCF-style: chr9-128608937-A-G. GRCh37 (hg19) VCF-style: chr9-131371216-A-G.
Other names: c.4495A>G, p.Lys1499Glu (NM_001195532.2, NM_001363765.2); c.4555A>G, p.Lys1519Glu (NM_001363759.2, NM_003127.4); short protein forms K1519E, K1499E.
Identifiers: ClinVar variation 507214 (VCV000507214.1), dbSNP rs576419070, ClinGen allele CA5265215.

ClinVar aggregate classification (germline): Likely benign (1 of 4 stars; one submission).

Allele frequency attached by ClinVar (database versions not stated): gnomAD exomes below 0.00001 and 0.00001; gnomAD 0.00001; ExAC 0.00002; 1000 Genomes Project 30x 0.00016; 1000 Genomes Project 0.00020.
gnomAD v4.1: 3 of 1,614,192 alleles (0.00019%); highest among the groups gnomAD compares: South Asian, 0.0033%; no homozygotes.

Submission:

GeneDx
Classification: Likely benign. Last evaluated: 2017-02-16. Review status: criteria provided, single submitter. Criteria: GeneDx Variant Classification (06012015). Collection method: clinical testing. Allele origin: germline. Affected: yes.
Comment: This variant is considered likely benign or benign based on one or more of the following criteria: it is a conservative change, it occurs at a poorly conserved position in the protein, it is predicted to be benign by multiple in silico algorithms, and/or has population frequency not consistent with disease.